The following is an entry in ClinVar:

ClinVar aggregate classification (germline): Uncertain significance. Review status: criteria provided, multiple submitters, no conflicts (2 of 4 stars). 2 submissions from 2 submitters: Uncertain significance (2). Last evaluated 2026-01-21.

gnomAD v4.1: 74 of 1,611,488 alleles (0.0046%); highest among the groups gnomAD compares: African/African-American, 0.051%; no homozygotes.

Submissions (2):

GeneDx
Classification: Uncertain significance. Last evaluated: 2026-01-21. Review status: criteria provided, single submitter. Criteria: GeneDx Variant Classification Process June 2021. Collection method: clinical testing. Allele origin: germline.
Comment: In silico analysis suggests that this missense variant does not alter protein structure/function; Has not been previously published as pathogenic or benign to our knowledge

Ambry Genetics
Classification: Uncertain significance. Last evaluated: 2025-08-03. Review status: criteria provided, single submitter. Criteria: Ambry Variant Classification Scheme 2023. Collection method: clinical testing. Allele origin: germline.

NM_015275.3(WASHC4):c.623A>G (p.Asp208Gly)

Gene: WASHC4 (WASH complex subunit 4; plus strand). Cytogenetic location: 12q23.3.
Variant type: single nucleotide variant.
Coding change: c.623A>G on transcript NM_015275.3 (MANE Select); coding-DNA position 623, A replaced by G.
Protein change: p.Asp208Gly; replaces aspartic acid 208 with glycine.
Molecular consequence: missense variant.
Genome position (GRCh38, 1-based): chr12:105,121,162, A>G. VCF-style: chr12-105121162-A-G. GRCh37 (hg19) VCF-style: chr12-105514940-A-G.
Other names: c.623A>G (NM_015275.2); c.623A>G, p.Asp208Gly (NM_001293640.2); short protein forms D208G.
Identifiers: ClinVar variation 4200171 (VCV004200171.2).